The following is an entry in ClinVar:

NM_007294.4(BRCA1):c.2839A>T (p.Lys947Ter)

Gene: BRCA1 (BRCA1 DNA repair associated; minus strand). Cytogenetic location: 17q21.31.
Variant type: single nucleotide variant.
Coding change: c.2839A>T on transcript NM_007294.4 (MANE Select); coding-DNA position 2839, A replaced by T.
Protein change: p.Lys947Ter; replaces lysine 947 with a stop codon.
Molecular consequence: nonsense. On other transcripts: intron variant (137).
Genome position (GRCh38, 1-based): chr17:43,092,692, T>A on the plus strand (A>T on the coding strand, the complement: BRCA1 is on the minus strand). VCF-style: chr17-43092692-T-A. GRCh37 (hg19) VCF-style: chr17-41244709-T-A.
Other names: c.2695A>T, p.Lys899Ter (NM_001407842.1, NM_001407844.1, NM_001407845.1 and 20 more transcripts); c.2698A>T, p.Lys900Ter (NM_001407850.1, NM_001407851.1, NM_001407852.1 and 29 more transcripts); c.2626A>T, p.Lys876Ter (NM_001407853.1, NM_001407571.1, NM_001407894.1 and 9 more transcripts); c.2839A>T, p.Lys947Ter (NM_001407854.1, NM_001407581.1, NM_001407582.1 and 30 more transcripts); c.284-1660A>T (NM_001408512.1); c.407-1660A>T (NM_001408510.1); c.644-1660A>T (NM_001408470.1, NM_001408464.1, NM_001408468.1 and 3 more transcripts); c.647-1660A>T (NM_001408469.1, NM_001408453.1, NM_001408461.1 and 11 more transcripts); and 41 more; short protein forms K947*, K900*, K779*, K820*, K877*, K879*, K899*, K944*.
Identifiers: ClinVar variation 821794 (VCV000821794.5), dbSNP rs1597867344, ClinGen allele CA10596309.
Genomic context (GRCh38, chr17:43,092,692, plus strand): 5'-TAATGAGTCCAGTTTCGTTGCCTCTGAACTGAGATGATAGACAAAACCTAGAGCCTCCTT[T>A]GATACTACATTTGGCATTATCAACTGGCTTATCTTTCTGACCAACCACAGGAAAGCCTGC-3'

ClinVar aggregate classification (germline): Pathogenic (1 of 4 stars; one submission).

Conditions:
Hereditary cancer-predisposing syndrome. Also called: Tumor predisposition; Hereditary Cancer Syndrome; Neoplastic Syndromes, Hereditary; Hereditary neoplastic syndrome. Identifiers: Orphanet 140162, MedGen C0027672, MeSH D009386, MONDO:0015356.

Submission:

Ambry Genetics
Classification: Pathogenic for Hereditary cancer-predisposing syndrome. Last evaluated: 2019-04-09. Review status: criteria provided, single submitter. Criteria: Ambry Variant Classification Scheme 2023. Collection method: clinical testing. Allele origin: germline.
Comment: The p.K947* pathogenic mutation (also known as c.2839A>T), located in coding exon 9 of the BRCA1 gene, results from an A to T substitution at nucleotide position 2839. This changes the amino acid from a lysine to a stop codon within coding exon 9. This alteration is expected to result in loss of function by premature protein truncation or nonsense-mediated mRNA decay. As such, this alteration is interpreted as a disease-causing mutation.